The following is an entry in ClinVar:

NM_024426.6(WT1):c.268T>C (p.Ser90Pro)

Genes: WT1 (WT1 transcription factor; minus strand), LOC107982234 (WT1/WT1-AS bi-directional promoter region; plus strand). Cytogenetic location: 11p13.
Variant type: single nucleotide variant.
Coding change: c.268T>C on transcript NM_024426.6 (MANE Select); coding-DNA position 268, T replaced by C.
Protein change: p.Ser90Pro; replaces serine 90 with proline.
Molecular consequence: missense variant. On other transcripts: non-coding transcript variant (1).
Genome position (GRCh38, 1-based): chr11:32,435,093, A>G on the plus strand (T>C on the coding strand, the complement: WT1 is on the minus strand). VCF-style: chr11-32435093-A-G. GRCh37 (hg19) VCF-style: chr11-32456639-A-G.
Other names: c.268T>C, p.Ser90Pro (NM_000378.6, NM_024424.5); short protein forms S90P.
Identifiers: ClinVar variation 651044 (VCV000651044.9), dbSNP rs1590410623, ClinGen allele CA379966036.

ClinVar aggregate classification (germline): Uncertain significance (1 of 4 stars; one submission).

Conditions:
Drash syndrome (DDS). Also called: WILMS TUMOR AND PSEUDO- OR TRUE HERMAPHRODITISM; NEPHROPATHY, WILMS TUMOR, AND GENITAL ANOMALIES. Identifiers: Orphanet 220, MedGen C0950121, MONDO:0008682, OMIM 194080.
Wilms tumor 1 (WT1). Also called: Wilms tumor, somatic. Identifiers: Orphanet 654, MedGen CN033288, MONDO:0008679, OMIM 194070.
11p partial monosomy syndrome (WAGR). Also called: WAGR Spectrum Disorder; WAGR Complex; WAGR syndrome; CHROMOSOME 11p13 DELETION SYNDROME. Identifiers: Orphanet 893, MedGen C0206115, MONDO:0008681, OMIM 194072.
Frasier syndrome. Identifiers: Orphanet 347, MedGen C0950122, MeSH D052159, MONDO:0007635, OMIM 136680.

Submission:

Labcorp Genetics (formerly Invitae), Labcorp
Classification: Uncertain significance for Wilms tumor 1; Drash syndrome; 11p partial monosomy syndrome; Frasier syndrome. Last evaluated: 2024-12-08. Review status: criteria provided, single submitter. Criteria: Invitae Variant Classification Sherloc (09022015). Collection method: clinical testing. Allele origin: germline.
Comment: This sequence change replaces serine, which is neutral and polar, with proline, which is neutral and non-polar, at codon 85 of the WT1 protein (p.Ser85Pro). This variant is not present in population databases (gnomAD no frequency). This variant has not been reported in the literature in individuals affected with WT1-related conditions. ClinVar contains an entry for this variant (Variation ID: 651044). Invitae Evidence Modeling of protein sequence and biophysical properties (such as structural, functional, and spatial information, amino acid conservation, physicochemical variation, residue mobility, and thermodynamic stability) indicates that this missense variant is not expected to disrupt WT1 protein function with a negative predictive value of 95%. In summary, the available evidence is currently insufficient to determine the role of this variant in disease. Therefore, it has been classified as a Variant of Uncertain Significance.